The following is an entry in ClinVar:

ClinVar aggregate classification (germline): Pathogenic. Review status: reviewed by expert panel (3 of 4 stars). 5 submissions from 5 submitters: Pathogenic (1). 4 of the submissions do not count toward it. Last evaluated 2016-09-08.

Conditions:
Hereditary breast ovarian cancer syndrome. Also called: Hereditary breast and ovarian cancer syndrome; Hereditary breast and ovarian cancer; Hereditary breast and ovarian cancer syndrome (HBOC); Breast and ovarian cancer; Hereditary breast and/or ovarian cancer syndrome; BRCA1- and BRCA2-Associated Hereditary Breast and Ovarian Cancer. Identifiers: Orphanet 145, MedGen C0677776, MeSH D061325, MONDO:0003582. Disease mechanism: loss of function.
Hereditary cancer-predisposing syndrome. Also called: Neoplastic Syndromes, Hereditary; Tumor predisposition; Hereditary neoplastic syndrome; Hereditary Cancer Syndrome. Identifiers: Orphanet 140162, MedGen C0027672, MeSH D009386, MONDO:0015356.
Breast-ovarian cancer, familial, susceptibility to, 2 (BROVCA2). Also called: BRCA2 Hereditary Breast and Ovarian Cancer. Identifiers: Orphanet 145, MedGen C2675520, MONDO:0012933, OMIM 612555. Disease mechanism: loss of function.

Submissions (5):

Evidence-based Network for the Interpretation of Germline Mutant Alleles (ENIGMA)
Classification: Pathogenic for Breast-ovarian cancer, familial, susceptibility to, 2. Last evaluated: 2016-09-08. Review status: reviewed by expert panel. Criteria: ENIGMA BRCA1/2 Classification Criteria (2015). Collection method: curation. Allele origin: germline.
Comment: Variant allele predicted to encode a truncated non-functional protein.

Ambry Genetics
Classification: Pathogenic for Hereditary cancer-predisposing syndrome. Last evaluated: 2025-05-30. Review status: criteria provided, single submitter. Criteria: Ambry Variant Classification Scheme 2023. Collection method: clinical testing. Allele origin: germline. Not counted in ClinVar's aggregate classification.
Comment: The c.8058delT pathogenic mutation, located in coding exon 17 of the BRCA2 gene, results from a deletion of one nucleotide at nucleotide position 8058, causing a translational frameshift with a predicted alternate stop codon (p.V2687Ffs*7). This alteration is expected to result in loss of function by premature protein truncation or nonsense-mediated mRNA decay. As such, this alteration is interpreted as a disease-causing mutation.

Labcorp Genetics (formerly Invitae), Labcorp
Classification: Pathogenic for Hereditary breast ovarian cancer syndrome. Last evaluated: 2024-04-05. Review status: criteria provided, single submitter. Criteria: Invitae Variant Classification Sherloc (09022015). Collection method: clinical testing. Allele origin: germline. Not counted in ClinVar's aggregate classification.
Comment: This sequence change creates a premature translational stop signal (p.Val2687Phefs*7) in the BRCA2 gene. It is expected to result in an absent or disrupted protein product. Loss-of-function variants in BRCA2 are known to be pathogenic (PMID: 20104584). This variant is not present in population databases (gnomAD no frequency). This premature translational stop signal has been observed in individual(s) with clinical features of BRCA2-related conditions (PMID: 15800311). ClinVar contains an entry for this variant (Variation ID: 52490). For these reasons, this variant has been classified as Pathogenic.

Consortium of Investigators of Modifiers of BRCA1/2 (CIMBA), c/o University of Cambridge
Classification: Pathogenic for Breast-ovarian cancer, familial, susceptibility to, 2. Last evaluated: 2015-10-02. Review status: criteria provided, single submitter. Criteria: CIMBA Mutation Classification guidelines May 2016. Collection method: clinical testing. Allele origin: germline. Not counted in ClinVar's aggregate classification.

Breast Cancer Information Core (BIC) (BRCA2)
Classification: Pathogenic for Breast-ovarian cancer, familial 2. Review status: no assertion criteria provided. Collection method: clinical testing. Allele origin: germline. Affected: yes. Observed: 2 variant alleles. Not counted in ClinVar's aggregate classification.

Literature cited by the submitters: PubMed 15800311 (cited by Ambry Genetics and Labcorp Genetics (formerly Invitae), Labcorp); PubMed 20104584 (cited by Labcorp Genetics (formerly Invitae), Labcorp).

NM_000059.4(BRCA2):c.8058del (p.Val2687fs)

Gene: BRCA2 (BRCA2 DNA repair associated; plus strand). Cytogenetic location: 13q13.1.
Variant type: Deletion.
Coding change: c.8058del on transcript NM_000059.4 (MANE Select); coding-DNA position 8058, one base deleted (T; older notation c.8058delT).
Protein change: p.Val2687fs; shifts the reading frame from valine 2687.
Molecular consequence: frameshift variant.
Genome position (GRCh38, 1-based): chr13:32,363,260, T deleted; the last of 2 consecutive T bases (chr13:32,363,259-32,363,260); deleting either gives the same sequence. VCF-style (leftmost placement, unchanged base first): chr13-32363258-CT-C. GRCh37 (hg19) VCF-style: chr13-32937395-CT-C.
Other names: 8286delT; c.8058delT (NM_000059.3).
Identifiers: ClinVar variation 52490 (VCV000052490.15), dbSNP rs80359692, ClinGen allele CA025428.